The following is an entry in ClinVar:

NM_001098816.3(TENM4):c.1705A>T (p.Asn569Tyr)

Gene: TENM4 (teneurin transmembrane protein 4; minus strand). Cytogenetic location: 11q14.1.
Variant type: single nucleotide variant.
Coding change: c.1705A>T on transcript NM_001098816.3 (MANE Select); coding-DNA position 1705, A replaced by T.
Protein change: p.Asn569Tyr; replaces asparagine 569 with tyrosine.
Molecular consequence: missense variant.
Genome position (GRCh38, 1-based): chr11:78,814,372, T>A on the plus strand (A>T on the coding strand, the complement: TENM4 is on the minus strand). VCF-style: chr11-78814372-T-A. GRCh37 (hg19) VCF-style: chr11-78525417-T-A.
Other names: short protein forms N569Y.
Identifiers: ClinVar variation 4534363 (VCV004534363.6).
Genomic context (GRCh38, chr11:78,814,372, plus strand): 5'-CCAGGAAACCCAGGAAGCAGTGGCAGGTCCCAGAGATGCAGTCACCATTGCCATAGCAGT[T>A]GCTGGGGCAGTTATCCACCGACTCTGGGGAGAGAAAGGAGAAGGAGAGTTGAAAACAAAT-3'
Protein context (NP_001092286.2, residues 559-579): AIESVDNCPS[Asn569Tyr]CYGNGDCISG

ClinVar aggregate classification (germline): Uncertain significance (1 of 4 stars; one submission).

gnomAD v4.1: 1 of 1,549,428 alleles (0.000065%); highest among the groups gnomAD compares: Non-Finnish European, 0.000087%; no homozygotes.

Submission:

CeGaT Center for Human Genetics Tuebingen
Classification: Uncertain significance. Last evaluated: 2025-11-01. Review status: criteria provided, single submitter. Criteria: CeGaT Center For Human Genetics Tuebingen Variant Classification Criteria Version 2. Collection method: clinical testing. Allele origin: germline. Affected: yes. Observed: 1 variant allele.
Comment: TENM4: PM2